The following is an entry in ClinVar:

NM_001267550.2(TTN):c.68224+3A>G

Genes: TTN (titin; minus strand), TTN-AS1 (TTN antisense RNA 1; plus strand), LOC126806423 (CDK7 strongly-dependent group 2 enhancer GRCh37_chr2:179443309-179444508; plus strand). Cytogenetic location: 2q31.2.
Variant type: single nucleotide variant.
Coding change: c.68224+3A>G on transcript NM_001267550.2 (MANE Select); 3 bases into the intron after coding-DNA position 68224, A replaced by G.
Molecular consequence: intron variant.
Genome position (GRCh38, 1-based): chr2:178,578,803, T>C on the plus strand (A>G on the coding strand, the complement: TTN is on the minus strand). VCF-style: chr2-178578803-T-C. GRCh37 (hg19) VCF-style: chr2-179443530-T-C.
Other names: c.41029+3A>G (NM_003319.4); c.41605+3A>G (NM_133437.4); c.41404+3A>G (NM_133432.3); c.60520+3A>G (NM_133378.4); c.63301+3A>G (NM_001256850.1); c.68224+3A>G (NM_001267550.1).
Identifiers: ClinVar variation 534989 (VCV000534989.13), dbSNP rs1006017098, ClinGen allele CA61006211.

ClinVar aggregate classification (germline): Uncertain significance. Review status: criteria provided, multiple submitters, no conflicts (2 of 4 stars). 4 submissions from 4 submitters: Uncertain significance (4). Last evaluated 2026-01-24.

Conditions:
Cardiovascular phenotype. Identifiers: MedGen CN230736.
Dilated cardiomyopathy 1G (CMD1G). Identifiers: Orphanet 154, MedGen C1858763, MONDO:0011400, OMIM 604145.
Autosomal recessive limb-girdle muscular dystrophy type 2J (LGMDR10). Also called: MUSCULAR DYSTROPHY, LIMB-GIRDLE, AUTOSOMAL RECESSIVE 10; Limb-girdle muscular dystrophy, type 2J. Identifiers: Orphanet 140922, MedGen C1837342, MONDO:0012127, OMIM 608807.

Allele frequency attached by ClinVar (database versions not stated): gnomAD 0.00001; TOPMed 0.00002; gnomAD exomes 0.00005.
gnomAD v4.1: 67 of 1,609,632 alleles (0.0042%); highest among the groups gnomAD compares: Non-Finnish European, 0.0055%; no homozygotes.

Submissions (4):

Labcorp Genetics (formerly Invitae), Labcorp
Classification: Uncertain significance for Dilated cardiomyopathy 1G; Autosomal recessive limb-girdle muscular dystrophy type 2J. Last evaluated: 2026-01-24. Review status: criteria provided, single submitter. Criteria: Invitae Variant Classification Sherloc (09022015). Collection method: clinical testing. Allele origin: germline.
Comment: This sequence change falls in intron 320 of the TTN gene. It does not directly change the encoded amino acid sequence of the TTN protein. It affects a nucleotide within the consensus splice site. This variant is present in population databases (no rsID available, gnomAD 0.01%). This variant has not been reported in the literature in individuals affected with TTN-related conditions. ClinVar contains an entry for this variant (Variation ID: 534989). Variants that disrupt the consensus splice site are a relatively common cause of aberrant splicing (PMID: 17576681, 9536098). Algorithms developed to predict the effect of sequence changes on RNA splicing suggest that this variant is not likely to affect RNA splicing. This variant is located in the A band of TTN (PMID: 25589632). Variants in this region may be relevant for cardiac or neuromuscular disorders (PMID: 25589632, 23975875). In summary, the available evidence is currently insufficient to determine the role of this variant in disease. Therefore, it has been classified as a Variant of Uncertain Significance.

Ambry Genetics
Classification: Uncertain significance for Cardiovascular phenotype. Last evaluated: 2025-12-26. Review status: criteria provided, single submitter. Criteria: Ambry Variant Classification Scheme 2023. Collection method: clinical testing. Allele origin: germline.
Comment: The c.41029+3A>G intronic variant results from an A to G substitution 3 nucleotides after coding exon 147 in the TTN gene. This nucleotide position is well conserved in available vertebrate species. In silico splice site analysis predicts that this alteration will not have any significant effect on splicing. Based on the available evidence, the clinical significance of this variant remains unclear.

Athena Diagnostics
Classification: Uncertain significance. Last evaluated: 2025-02-05. Review status: criteria provided, single submitter. Criteria: Athena Diagnostics Criteria. Collection method: clinical testing. Allele origin: unknown.
Comment: Available data are insufficient to determine the clinical significance of the variant at this time. The frequency of this variant in the general population is uninformative in assessment of its pathogenicity. Computational tools yielded predictions that this variant is unlikely to have an effect on normal RNA splicing.

Revvity Omics, Revvity
Classification: Uncertain significance. Last evaluated: 2023-06-30. Review status: criteria provided, single submitter. Criteria: ACMG Guidelines, 2015. Collection method: clinical testing. Allele origin: germline.

Literature cited by the submitters: PubMed 17576681 (cited by Labcorp Genetics (formerly Invitae), Labcorp); PubMed 9536098 (cited by Labcorp Genetics (formerly Invitae), Labcorp); PubMed 25589632 (cited by Labcorp Genetics (formerly Invitae), Labcorp); PubMed 23975875 (cited by Labcorp Genetics (formerly Invitae), Labcorp).